The following is an entry in ClinVar:

NM_177438.3(DICER1):c.5504A>C (p.Tyr1835Ser)

Gene: DICER1 (dicer 1, ribonuclease III; minus strand). Cytogenetic location: 14q32.13.
Variant type: single nucleotide variant.
Coding change: c.5504A>C on transcript NM_177438.3 (MANE Select); coding-DNA position 5504, A replaced by C.
Protein change: p.Tyr1835Ser; replaces tyrosine 1835 with serine.
Molecular consequence: missense variant. On other transcripts: intron variant (1).
Genome position (GRCh38, 1-based): chr14:95,091,226, T>G on the plus strand (A>C on the coding strand, the complement: DICER1 is on the minus strand). VCF-style: chr14-95091226-T-G. GRCh37 (hg19) VCF-style: chr14-95557563-T-G.
Other names: NM_177438.3(DICER1):c.5504A>C; p.Tyr1835Ser; c.5504A>C, p.Tyr1835Ser (NM_001271282.3, NM_001291628.2, NM_030621.4); c.5365-117A>C (NM_001195573.1); short protein forms Y1835S.
Identifiers: ClinVar variation 479625 (VCV000479625.17), dbSNP rs747510783, ClinGen allele CA7330659.
Genomic context (GRCh38, chr14:95,091,226, plus strand): 5'-TGTGGGTTTTTTTCTTTCTAAAGGGAGCCAACAATACCTATTAGTGGCCGCATCATGGGA[T>G]AGTACACCTGCCAGACTGTCTCCAGTGACATCCCACTATCCATGTAAATGGCACCAGCAA-3'
Protein context (NP_803187.1, residues 1825-1845): MSLETVWQVY[Tyr1835Ser]PMMRPLIEKF

ClinVar aggregate classification (germline): Uncertain significance. Review status: reviewed by expert panel (3 of 4 stars). 3 submissions from 3 submitters: Uncertain significance (1). 2 of the submissions do not count toward it. Last evaluated 2025-06-24.

Conditions:
DICER1-related tumor predisposition. Also called: DICER1-related pleuropulmonary blastoma cancer predisposition syndrome; DICER1 syndrome. Identifiers: Orphanet 284343, MedGen C3839822, MONDO:0100216.
Hereditary cancer-predisposing syndrome. Also called: Tumor predisposition; Neoplastic Syndromes, Hereditary; Hereditary Cancer Syndrome; Hereditary neoplastic syndrome. Identifiers: Orphanet 140162, MedGen C0027672, MeSH D009386, MONDO:0015356.

Allele frequency attached by ClinVar (database versions not stated): TOPMed 0.00002.
gnomAD v4.1: 13 of 1,614,058 alleles (0.00081%); highest among the groups gnomAD compares: Non-Finnish European, 0.0011%; no homozygotes.

Submissions (3):

ClinGen DICER1 and miRNA-Processing Gene Variant Curation Expert Panel, ClinGen
Classification: Uncertain significance for DICER1-related tumor predisposition. Last evaluated: 2025-06-24. Review status: reviewed by expert panel. Criteria: ClinGen DICER1 ACMG Specifications DICER1 V1.3.0. Collection method: curation. Allele origin: germline. Inheritance: Autosomal dominant inheritance.
Comment: The NM_177438.2:c.5504A>C variant in DICER1 is a missense variant predicted to cause substitution of tyrosine by serine at amino acid 1835 (p.Tyr1835Ser). The total allele frequency in gnomAD v4.1.0 is 0.000008054 (13/1614058 alleles) with a highest population minor allele frequency of 0.00001102 (13/1180030 alleles) in the European (non-Finnish) population (PM2_Supporting, BS1, and BA1 are not met). The computational predictor REVEL gives a score of 0.676, which is neither above nor below the thresholds predicting a damaging or benign impact on DICER1 function (PP3 and BP4 not met). This variant resides within the RNase IIIb domain (PM1_Supporting; PMID: 31342592). This variant has been seen in 10 or more unrelated females without tumors through age 50 in at least one testing laboratory (BS2_Supporting; Internal lab contributors, GTR Lab ID: 50003). In summary, this variant meets the criteria to be classified as Uncertain Significance for DICER1 syndrome based on the ACMG/AMP criteria applied, as specified by the ClinGen DICER1 VCEP: PM1_Supporting, BS2_Supporting. (Bayesian Points: 0; VCEP specifications version 1.3.0; 06/24/2025).

Labcorp Genetics (formerly Invitae), Labcorp
Classification: Uncertain significance for DICER1-related tumor predisposition. Last evaluated: 2025-08-17. Review status: criteria provided, single submitter. Criteria: Invitae Variant Classification Sherloc (09022015). Collection method: clinical testing. Allele origin: germline. Not counted in ClinVar's aggregate classification.
Comment: This sequence change replaces tyrosine, which is neutral and polar, with serine, which is neutral and polar, at codon 1835 of the DICER1 protein (p.Tyr1835Ser). This variant is present in population databases (rs747510783, gnomAD 0.003%). This missense change has been observed in individual(s) with head and neck squamous cell carcinoma (PMID: 30672147). ClinVar contains an entry for this variant (Variation ID: 479625). Invitae Evidence Modeling of protein sequence and biophysical properties (such as structural, functional, and spatial information, amino acid conservation, physicochemical variation, residue mobility, and thermodynamic stability) indicates that this missense variant is not expected to disrupt DICER1 protein function with a negative predictive value of 95%. In summary, the available evidence is currently insufficient to determine the role of this variant in disease. Therefore, it has been classified as a Variant of Uncertain Significance.

Ambry Genetics
Classification: Uncertain significance for Hereditary cancer-predisposing syndrome. Last evaluated: 2025-05-29. Review status: criteria provided, single submitter. Criteria: Ambry Variant Classification Scheme 2023. Collection method: clinical testing. Allele origin: germline. Not counted in ClinVar's aggregate classification.
Comment: The p.Y1835S variant (also known as c.5504A>C), located in coding exon 24 of the DICER1 gene, results from an A to C substitution at nucleotide position 5504. The tyrosine at codon 1835 is replaced by serine, an amino acid with dissimilar properties. This amino acid position is highly conserved in available vertebrate species. In addition, this alteration is predicted to be deleterious by in silico analysis. Based on the available evidence, the clinical significance of this alteration remains unclear.

Literature cited by the submitters: PubMed 30672147 (cited by Labcorp Genetics (formerly Invitae), Labcorp).